The following is an entry in ClinVar:

ClinVar aggregate classification (germline): Uncertain significance (1 of 4 stars; one submission).

Submission:

Laboratory for Molecular Medicine, Mass General Brigham Personalized Medicine
Classification: Uncertain significance. Last evaluated: 2020-07-02. Review status: criteria provided, single submitter. Criteria: LMM Criteria. Collection method: clinical testing. Allele origin: germline. Inheritance: Autosomal dominant inheritance. Observed: 1 variant allele.
Comment: Variant classified as Uncertain Significance - Favor Pathogenic. The p.Ser17X variant in HOXA2 has not been reported in individuals with disease and was absent from large population studies. This nonsense variant leads to a premature termination codon at position 17, which is predicted to lead to a truncated or absent protein. Although loss of function of the HOXA2 gene has been reported in association with autosomal dominant microtia, the evidence for this association is moderate. In summary, while there is some suspicion for a pathogenic role, the clinical significance of this variant is uncertain. ACMG/AMP Criteria applied: PM2, PVS1_Moderate.

NM_006735.4(HOXA2):c.50C>A (p.Ser17Ter)

Gene: HOXA2 (homeobox A2; minus strand). Cytogenetic location: 7p15.2.
Variant type: single nucleotide variant.
Coding change: c.50C>A on transcript NM_006735.4 (MANE Select); coding-DNA position 50, C replaced by A.
Protein change: p.Ser17Ter; replaces serine 17 with a stop codon.
Molecular consequence: nonsense.
Genome position (GRCh38, 1-based): chr7:27,102,451, G>T on the plus strand (C>A on the coding strand, the complement: HOXA2 is on the minus strand). VCF-style: chr7-27102451-G-T. GRCh37 (hg19) VCF-style: chr7-27142070-G-T.
Other names: short protein forms S17*.
Identifiers: ClinVar variation 1120100 (VCV001120100.4), dbSNP rs2128035269, ClinGen allele CA367078971.
Genomic context (GRCh38, chr7:27,102,451, plus strand): 5'-ATTGATGAACTTTGAAATGTATCAGCGACAGGGGGAAAAGATGTCAGGCACTCAGCGAGC[G>T]ACGGCTGGCTATTGATAAAACCAATCTCTCGCTCAAATTCGTAATTCATGGCCTTCTCCT-3'